The following is an entry in ClinVar:

ClinVar aggregate classification (germline): Benign/Likely benign. Review status: criteria provided, multiple submitters, no conflicts (2 of 4 stars). 2 submissions from 2 submitters: Benign (1); Likely benign (1). Last evaluated 2025-08-11.

Conditions:
X-linked intellectual disability Cabezas type (MRXSC). Also called: CABEZAS SYNDROME; MENTAL RETARDATION, X-LINKED, SYNDROMIC 15; Intellectual developmental disorder, X-linked syndromic, Cabezas type. Identifiers: Orphanet 85289, Orphanet 85293, MedGen C1845861, MONDO:0010306, OMIM 300354.
CUL4B-related disorder. Also called: CUL4B-related condition.

gnomAD v4.1: 55 of 1,201,334 alleles (0.0046%); highest among the groups gnomAD compares: South Asian, 0.088%; no homozygotes.

Submissions (2):

Labcorp Genetics (formerly Invitae), Labcorp
Classification: Benign for X-linked intellectual disability Cabezas type. Last evaluated: 2025-08-11. Review status: criteria provided, single submitter. Criteria: Invitae Variant Classification Sherloc (09022015). Collection method: clinical testing. Allele origin: germline.

PreventionGenetics, part of Exact Sciences
Classification: Likely benign for CUL4B-related condition. Last evaluated: 2025-01-13. Review status: criteria provided, single submitter. Criteria: ACMG Guidelines, 2015. Collection method: clinical testing. Allele origin: germline.
Comment: This variant is classified as likely benign based on ACMG/AMP sequence variant interpretation guidelines (Richards et al. 2015 PMID: 25741868, with internal and published modifications).

NM_001079872.2(CUL4B):c.1899C>T (p.Asp633=)

Gene: CUL4B (cullin 4B; minus strand). Cytogenetic location: Xq24.
Variant type: single nucleotide variant.
Coding change: c.1899C>T on transcript NM_001079872.2 (MANE Select); coding-DNA position 1899, C replaced by T.
Protein change: p.Asp633=; no amino-acid change (aspartic acid 633 retained).
Molecular consequence: synonymous variant.
Genome position (GRCh38, 1-based): chrX:120,538,163, G>A on the plus strand (C>T on the coding strand, the complement: CUL4B is on the minus strand). VCF-style: chrX-120538163-G-A. GRCh37 (hg19) VCF-style: chrX-119672018-G-A.
Other names: c.1914C>T, p.Asp638= (NM_001330624.2); c.1365C>T, p.Asp455= (NM_001369145.1); c.1953C>T, p.Asp651= (NM_003588.4); c.1953C>T (NM_003588.3).
Identifiers: ClinVar variation 4738574 (VCV004738574.2).
Genomic context (GRCh38, chrX:120,538,163, plus strand): 5'-AAGAGTTTAACTCACTTTTACCTGTTTGAACTGAATCATGATGTCTTTAGAAAGTTCCAT[G>A]TCTTTAAACATTCCTTCAAGTTTGCTGGTGAAAGCAGCTCCGCATTCTATTAAAGATGTT-3'
Protein context (NP_001073341.1, residues 623-643): FTSKLEGMFK[Asp633=]MELSKDIMIQ